The following is an entry in ClinVar:

NM_007194.4(CHEK2):c.1357G>C (p.Ala453Pro)

Gene: CHEK2 (checkpoint kinase 2; minus strand). Cytogenetic location: 22q12.1.
Variant type: single nucleotide variant.
Coding change: c.1357G>C on transcript NM_007194.4 (MANE Select); coding-DNA position 1357, G replaced by C.
Protein change: p.Ala453Pro; replaces alanine 453 with proline.
Molecular consequence: missense variant.
Genome position (GRCh38, 1-based): chr22:28,695,145, C>G on the plus strand (G>C on the coding strand, the complement: CHEK2 is on the minus strand). VCF-style: chr22-28695145-C-G. GRCh37 (hg19) VCF-style: chr22-29091133-C-G.
Other names: p.Ala453Pro; c.1486G>C, p.Ala496Pro (NM_001005735.3); c.694G>C, p.Ala232Pro (NM_001257387.3); c.1156G>C, p.Ala386Pro (NM_001349956.3); c.1270G>C, p.Ala424Pro (NM_145862.3); short protein forms A453P, A232P, A386P, A424P, A496P.
Identifiers: ClinVar variation 232008 (VCV000232008.38), dbSNP rs763395924, ClinGen allele CA10167674.

ClinVar aggregate classification (germline): Conflicting classifications of pathogenicity. Review status: criteria provided, conflicting classifications (1 of 4 stars). 14 submissions from 14 submitters: Uncertain significance (12); Likely benign (1). 1 of the submissions does not count toward it. Last evaluated 2026-01-06.

Conditions:
Familial prostate cancer. Also called: Hereditary Prostate Cancer. Identifiers: MedGen C2931456, MONDO:0700275, OMIM 176807.
CHEK2-related cancer predisposition (TPDS4). Also called: TUMOR PREDISPOSITION SYNDROME 4; CANCER PREDISPOSITION SYNDROME, CHEK2-RELATED; CHEK2-related cancer susceptibility. Identifiers: Orphanet 524, MedGen C5882668, MONDO:0700271, OMIM 609265.
Bone osteosarcoma. Also called: Osteosarcoma, somatic. Identifiers: Orphanet 668, MedGen C0585442, MONDO:0002629, OMIM 259500.
Hereditary cancer-predisposing syndrome. Also called: Neoplastic Syndromes, Hereditary; Tumor predisposition; Hereditary neoplastic syndrome; Hereditary Cancer Syndrome. Identifiers: Orphanet 140162, MedGen C0027672, MeSH D009386, MONDO:0015356.
Hereditary breast ovarian cancer syndrome. Also called: Hereditary breast and ovarian cancer syndrome; Hereditary breast and ovarian cancer syndrome (HBOC); Breast and ovarian cancer; BRCA1- and BRCA2-Associated Hereditary Breast and Ovarian Cancer; Hereditary breast and/or ovarian cancer syndrome; Hereditary breast and ovarian cancer. Identifiers: Orphanet 145, MedGen C0677776, MeSH D061325, MONDO:0003582. Disease mechanism: loss of function.
Familial cancer of breast. Also called: hereditary breast carcinoma; BREAST CANCER, FAMILIAL; Hereditary breast cancer. Identifiers: Orphanet 227535, MedGen C0346153, MONDO:0016419, OMIM 114480. Disease mechanism: loss of function.
Malignant tumor of breast. Also called: Cancer breast; Malignant breast neoplasm. Identifiers: MedGen C0006142, MONDO:0007254. Disease mechanism: loss of function.

Allele frequency attached by ClinVar (database versions not stated): gnomAD exomes 0.00001 and 0.00003; ExAC 0.00002.

Submissions (14):

Labcorp Genetics (formerly Invitae), Labcorp
Classification: Uncertain significance for Familial cancer of breast. Last evaluated: 2026-01-06. Review status: criteria provided, single submitter. Criteria: Invitae Variant Classification Sherloc (09022015). Collection method: clinical testing. Allele origin: germline.
Comment: This sequence change replaces alanine, which is neutral and non-polar, with proline, which is neutral and non-polar, at codon 453 of the CHEK2 protein (p.Ala453Pro). This variant is present in population databases (rs763395924, gnomAD 0.02%). This missense change has been observed in individual(s) with breast cancer (PMID: 30287823, 31465090). This variant is also known as c.1486G>C p.Ala496Pro. ClinVar contains an entry for this variant (Variation ID: 232008). An algorithm developed to predict the effect of missense changes on protein structure and function (PolyPhen-2) suggests that this variant is likely to be tolerated. Experimental studies are conflicting or provide insufficient evidence to determine the effect of this variant on CHEK2 function (PMID: 37449874). In summary, the available evidence is currently insufficient to determine the role of this variant in disease. Therefore, it has been classified as a Variant of Uncertain Significance.

Dasa
Classification: Uncertain significance. Last evaluated: 2025-04-01. Review status: criteria provided, single submitter. Criteria: DASA Assertion Criteria. Collection method: clinical testing. Allele origin: germline.
Comment: NM_007194.4(CHEK2):c.1357G>C (p.Ala453Pro) is a missense variant that results in the substitution of alanine with proline. This variant is rare in population databases. Computational prediction algorithms are consistent with a benign effect. The currently available literature and clinical evidence are not sufficient to establish a definitive association between this variant and the reported condition. Therefore, this variant is classified as a variant of uncertain significance.

Women's Health and Genetics/Laboratory Corporation of America, LabCorp
Classification: Uncertain significance. Last evaluated: 2025-02-21. Review status: criteria provided, single submitter. Criteria: LabCorp Variant Classification Summary - May 2015. Collection method: clinical testing. Allele origin: germline.
Comment: Variant summary: CHEK2 c.1357G>C (p.Ala453Pro) results in a non-conservative amino acid change located in the Protein kinase domain (IPR000719) of the encoded protein sequence. Four of five in-silico tools predict a benign effect of the variant on protein function. The variant allele was found at a frequency of 5.7e-05 in 298516 control chromosomes, predominantly at a frequency of 0.00016 within the East Asian subpopulation in the gnomAD database. The available data on variant occurrences in the general population are insufficient to allow any conclusion about variant significance. c.1357G>C has been reported in the literature in individuals affected with breast cancer, ovarian cancer, and other types of cancer, as well as controls (Momozawa_2018, Lee_2019, Choi_2020, Choi_2021, Okawa_2023, Stuttgen_2019, So_2022). These report(s) do not provide unequivocal conclusions about association of the variant with Hereditary Breast And Ovarian Cancer Syndrome. At least one publication reports experimental evidence evaluating an impact on protein function, however, does not allow convincing conclusions about the variant effect (Stolarova_2023). The following publications have been ascertained in the context of this evaluation (PMID: 32019284, 34285288, 31358837, 30287823, 36243179, 35534218, 37449874, 31465090). ClinVar contains an entry for this variant (Variation ID: 232008). Based on the evidence outlined above, the variant was classified as uncertain significance.

Molecular Pathology, Peter Maccallum Cancer Centre
Classification: Uncertain significance for Familial cancer of breast. Last evaluated: 2024-11-29. Review status: criteria provided, single submitter. Criteria: ACMG Guidelines, 2015. Collection method: clinical testing. Allele origin: germline. Inheritance: Autosomal dominant inheritance.

Ambry Genetics
Classification: Likely benign for Hereditary cancer-predisposing syndrome. Last evaluated: 2024-11-26. Review status: criteria provided, single submitter. Criteria: Ambry Variant Classification Scheme 2023. Collection method: clinical testing. Allele origin: germline.

Fulgent Genetics
Classification: Uncertain significance for Familial prostate cancer; Bone osteosarcoma; CHEK2-related cancer predisposition. Last evaluated: 2024-04-11. Review status: criteria provided, single submitter. Criteria: ACMG Guidelines, 2015. Collection method: clinical testing. Allele origin: germline.

Mayo Clinic Laboratories, Mayo Clinic
Classification: Uncertain significance. Last evaluated: 2023-09-25. Review status: criteria provided, single submitter. Criteria: ACMG Guidelines, 2015. Collection method: clinical testing. Allele origin: germline. Observed: 1 variant allele.
Comment: BP4

Baylor Genetics
Classification: Uncertain significance for Familial cancer of breast. Last evaluated: 2023-08-31. Review status: criteria provided, single submitter. Criteria: ACMG Guidelines, 2015. Collection method: clinical testing. Allele origin: unknown.

Color Diagnostics, LLC DBA Color Health
Classification: Uncertain significance for Hereditary cancer-predisposing syndrome. Last evaluated: 2023-07-07. Review status: criteria provided, single submitter. Criteria: ACMG Guidelines, 2015. Collection method: clinical testing. Allele origin: germline.
Comment: This missense variant replaces alanine with proline at codon 453 of the CHEK2 protein. Computational prediction suggests that this variant may not impact protein structure and function (internally defined REVEL score threshold <= 0.5, PMID: 27666373). To our knowledge, functional studies have not been reported for this variant. This variant has been reported in individuals affected with breast cancer (PMID: 31358837, 31465090), one of these individuals also carried a pathogenic variant in the CHEK2 gene that could explain the observed phenotype (PMID: 31465090). This variant has been reported in two large breast cancer case-control studies, reported in 15/7051 cases and 9/11241 unaffected controls (PMID: 30287823), and 15/60466 cases and 11/53461 unaffected controls (PMID: 33471991; Leiden Open Variation Database DB-ID CHEK2_000097). This variant has been identified in 3/251054 chromosomes in the general population by the Genome Aggregation Database (gnomAD). The available evidence is insufficient to determine the role of this variant in disease conclusively. Therefore, this variant is classified as a Variant of Uncertain Significance.

GeneDx
Classification: Uncertain significance. Last evaluated: 2022-05-14. Review status: criteria provided, single submitter. Criteria: GeneDx Variant Classification Process June 2021. Collection method: clinical testing. Allele origin: germline. Affected: yes.
Comment: Not observed at significant frequency in large population cohorts (gnomAD); In silico analysis supports that this missense variant does not alter protein structure/function; Observed in individuals with breast or ovarian cancer but also in unaffected controls (Momozawa 2018, Stuttgen 2019, Choi 2020); This variant is associated with the following publications: (PMID: 32566746, 22419737, 19782031, 30287823, 32019284, 31465090)

Quest Diagnostics Nichols Institute San Juan Capistrano
Classification: Uncertain significance. Last evaluated: 2020-07-16. Review status: criteria provided, single submitter. Criteria: Quest Diagnostics criteria. Collection method: clinical testing. Allele origin: unknown.

Cancer Genomics Group, Japanese Foundation For Cancer Research
Classification: Uncertain significance for Hereditary breast and ovarian cancer syndrome. Last evaluated: 2019-05-01. Review status: criteria provided, single submitter. Criteria: ACMG Guidelines, 2015. Collection method: research. Allele origin: germline. Affected: yes.

Genetic Services Laboratory, University of Chicago
Classification: Uncertain significance. Last evaluated: 2018-02-23. Review status: criteria provided, single submitter. Criteria: ACMG Guidelines, 2015. Collection method: clinical testing. Allele origin: germline. Affected: no.

Department of Pathology and Laboratory Medicine, Sinai Health System
Classification: Uncertain significance for Malignant tumor of breast. Review status: no assertion criteria provided. Collection method: clinical testing. Allele origin: unknown. Affected: yes. Study: The Canadian Open Genetics Repository (COGR). Not counted in ClinVar's aggregate classification.
Comment: The CHEK2 p.Ala453Pro variant was not identified in the literature nor was it identified in the Cosmic, MutDB, or Zhejiang Colon Cancer Database. The variant was identified in the following databases: dbSNP (ID: rs763395924) as â€šÃ„ÃºWith Uncertain significance alleleâ€šÃ„Ã¹, ClinVar (classified as uncertain significance by Ambry Genetics, GeneDx, Invitae, Color Genomics), and Clinvitae. The variant was identified in control databases in 3 of 245854 chromosomes at a frequency of 0.00001 (Genome Aggregation Database Feb 27, 2017). It was observed in the following population: East Asian in 3 of 17248 chromosomes (freq: 0.0002); while it was not observed in the African, Other, Latino, European, Ashkenazi Jewish, Finnish, and South Asian populations. This variant is located in the kinase domain of CHEK2 and substitutions in the kinase domain have been shown to abolish protein activity (Desrichard 2011, Roeb 2012). The p.Ala453 residue is not conserved in mammals and four out of five computational analyses (PolyPhen-2, SIFT, AlignGVGD, BLOSUM, MutationTaster) do not suggest a high likelihood of impact to the protein; however, this information is not predictive enough to rule out pathogenicity. The variant occurs outside of the splicing consensus sequence and in silico or computational prediction software programs (SpliceSiteFinder, MaxEntScan, NNSPLICE, GeneSplicer, HumanSpliceFinder) do not predict a difference in splicing. In summary, based on the above information, the clinical significance of this variant cannot be determined with certainty at this time. This variant is classified as a variant of uncertain significance.

Literature cited by the submitters: PubMed 30287823 (cited by 6 submitters); PubMed 31465090 (cited by 5 submitters); PubMed 37449874 (cited by Labcorp Genetics (formerly Invitae), Labcorp and Women's Health and Genetics/Laboratory Corporation of America, LabCorp); PubMed 31358837 (cited by Women's Health and Genetics/Laboratory Corporation of America, LabCorp and Color Diagnostics, LLC DBA Color Health); PubMed 32019284 (cited by Women's Health and Genetics/Laboratory Corporation of America, LabCorp); PubMed 34285288 (cited by Women's Health and Genetics/Laboratory Corporation of America, LabCorp); PubMed 35534218 (cited by Women's Health and Genetics/Laboratory Corporation of America, LabCorp); PubMed 36243179 (cited by Women's Health and Genetics/Laboratory Corporation of America, LabCorp and Mayo Clinic Laboratories, Mayo Clinic); PubMed 31214711 (cited by Ambry Genetics); PubMed 33471991 (cited by Color Diagnostics, LLC DBA Color Health).